The following is an entry in ClinVar:

ClinVar aggregate classification (germline): Likely pathogenic. Review status: criteria provided, single submitter (1 of 4 stars). 2 submissions from 2 submitters: Likely pathogenic (1). 1 of the submissions does not count toward it. Last evaluated 2022-03-04.

Conditions:
Hyper-IgM syndrome type 1. Also called: Hyper-IgM Immunodeficiency Syndrome, Type 1; CD40 Ligand Deficiency; Immunodeficiency, X-linked, with hyper-IgM; X-linked hyper-IgM syndrome. Identifiers: Orphanet 101088, MedGen C0398689, MONDO:0010626, OMIM 308230.

Submissions (2):

GeneDx
Classification: Likely pathogenic. Last evaluated: 2022-03-04. Review status: criteria provided, single submitter. Criteria: GeneDx Variant Classification Process June 2021. Collection method: clinical testing. Allele origin: germline. Affected: yes.
Comment: Not observed at significant frequency in large population cohorts (gnomAD); In silico analysis supports that this missense variant has a deleterious effect on protein structure/function; This variant is associated with the following publications: (PMID: 7679206, 17307885, 14514918)

OMIM
Classification: Pathogenic for IMMUNODEFICIENCY WITH HYPER-IgM, TYPE 1. Last evaluated: 1995-04-01. Review status: no assertion criteria provided. Collection method: literature only. Allele origin: germline. Not counted in ClinVar's aggregate classification.

Literature cited by the submitters: PubMed 7679206 (cited by OMIM); PubMed 7717401 (cited by OMIM).

NM_000074.3(CD40LG):c.418T>G (p.Trp140Gly)

Gene: CD40LG (CD40 ligand; plus strand). Cytogenetic location: Xq26.3.
Variant type: single nucleotide variant.
Coding change: c.418T>G on transcript NM_000074.3 (MANE Select); coding-DNA position 418, T replaced by G.
Protein change: p.Trp140Gly; replaces tryptophan 140 with glycine.
Molecular consequence: missense variant.
Genome position (GRCh38, 1-based): chrX:136,659,047, T>G. VCF-style: chrX-136659047-T-G. GRCh37 (hg19) VCF-style: chrX-135741206-T-G.
Other names: short protein forms W140G.
Identifiers: ClinVar variation 11164 (VCV000011164.7), dbSNP rs104894777, ClinGen allele CA255754.
Genomic context (GRCh38, chrX:136,659,047, plus strand): 5'-TGAACCATGCTCTGCTTCACCTCACCACAAACTTTCCCTTTCTTTGTAACAGTGTTACAG[T>G]GGGCTGAAAAAGGATACTACACCATGAGCAACAACTTGGTAACCCTGGAAAATGGGAAAC-3'
Protein context (NP_000065.1, residues 130-150): ASSKTTSVLQ[Trp140Gly]AEKGYYTMSN